The following is an entry in ClinVar:

NM_006662.3(SRCAP):c.8349G>T (p.Glu2783Asp)

Gene: SRCAP (Snf2 related CREBBP activator protein; plus strand). Cytogenetic location: 16p11.2.
Variant type: single nucleotide variant.
Coding change: c.8349G>T on transcript NM_006662.3 (MANE Select); coding-DNA position 8349, G replaced by T.
Protein change: p.Glu2783Asp; replaces glutamic acid 2783 with aspartic acid.
Molecular consequence: missense variant.
Genome position (GRCh38, 1-based): chr16:30,738,389, G>T. VCF-style: chr16-30738389-G-T. GRCh37 (hg19) VCF-style: chr16-30749710-G-T.
Other names: short protein forms E2783D.
Identifiers: ClinVar variation 2002765 (VCV002002765.4), dbSNP rs1484370355, ClinGen allele CA395637269.
Genomic context (GRCh38, chr16:30,738,389, plus strand): 5'-GGTGCGGCGGCGGCGGCAGCAGCGGGGAGCTGCCAGCACCCTAGTGCCTGGGGTCTCTGA[G>T]ACTAGTGCCAGCCCGGGAAGCCCGTCTGTCCGCAGCATGTCAGGGCCAGAATCCTCCCCT-3'
Protein context (NP_006653.2, residues 2773-2793): AASTLVPGVS[Glu2783Asp]TSASPGSPSV

ClinVar aggregate classification (germline): Uncertain significance (1 of 4 stars; one submission).

Allele frequency attached by ClinVar (database versions not stated): gnomAD exomes below 0.00001; gnomAD 0.00001; TOPMed 0.00001.
gnomAD v4.1: 2 of 1,551,208 alleles (0.00013%); highest among the groups gnomAD compares: Non-Finnish European, 0.00017%; no homozygotes.

Submission:

Labcorp Genetics (formerly Invitae), Labcorp
Classification: Uncertain significance. Last evaluated: 2023-07-18. Review status: criteria provided, single submitter. Criteria: Invitae Variant Classification Sherloc (09022015). Collection method: clinical testing. Allele origin: germline.
Comment: This sequence change replaces glutamic acid, which is acidic and polar, with aspartic acid, which is acidic and polar, at codon 2783 of the SRCAP protein (p.Glu2783Asp). This variant is not present in population databases (gnomAD no frequency). This variant has not been reported in the literature in individuals affected with SRCAP-related conditions. ClinVar contains an entry for this variant (Variation ID: 2002765). Advanced modeling of protein sequence and biophysical properties (such as structural, functional, and spatial information, amino acid conservation, physicochemical variation, residue mobility, and thermodynamic stability) performed at Invitae indicates that this missense variant is not expected to disrupt SRCAP protein function. In summary, the available evidence is currently insufficient to determine the role of this variant in disease. Therefore, it has been classified as a Variant of Uncertain Significance.